The following is an entry in ClinVar:

ClinVar aggregate classification (germline): Pathogenic (1 of 4 stars; one submission).

Conditions:
Familial adenomatous polyposis 1 (FAP1). Also called: POLYPOSIS, ADENOMATOUS INTESTINAL; FAMILIAL ADENOMATOUS POLYPOSIS 1, ATTENUATED. Identifiers: MedGen C2713442, MONDO:0021056, OMIM 175100. Disease mechanism: loss of function.

Submission:

Labcorp Genetics (formerly Invitae), Labcorp
Classification: Pathogenic for Familial adenomatous polyposis 1. Last evaluated: 2025-05-18. Review status: criteria provided, single submitter. Criteria: Invitae Variant Classification Sherloc (09022015). Collection method: clinical testing. Allele origin: germline.
Comment: This sequence change creates a premature translational stop signal (p.Leu629Phefs*2) in the APC gene. It is expected to result in an absent or disrupted protein product. Loss-of-function variants in APC are known to be pathogenic (PMID: 17963004, 20685668). This variant is not present in population databases (gnomAD no frequency). This premature translational stop signal has been observed in individual(s) with familial adenomatous polyposis (PMID: 20223039). Algorithms developed to predict the effect of sequence changes on RNA splicing suggest that this variant may disrupt the consensus splice site. For these reasons, this variant has been classified as Pathogenic.

Literature cited by the submitters: PubMed 17963004; PubMed 20685668; PubMed 20223039.

NM_000038.6(APC):c.1885_1886dup (p.Leu629fs)

Gene: APC (APC regulator of Wnt signaling pathway; plus strand). Cytogenetic location: 5q22.2.
Variant type: Duplication.
Coding change: c.1885_1886dup on transcript NM_000038.6 (MANE Select); coding-DNA positions 1885 to 1886, 2 bases duplicated (TT; older notation c.1885_1886dupTT).
Protein change: p.Leu629fs; shifts the reading frame from leucine 629.
Molecular consequence: frameshift variant. On other transcripts: non-coding transcript variant (2).
Genome position (GRCh38, 1-based): chr5:112,835,092-112,835,093, TT duplicated; duplicating any 2 consecutive bases within chr5:112,835,091-112,835,093 gives the same sequence; the c. name uses the placement nearest the transcript's 3' end. VCF-style (leftmost placement, unchanged base first): chr5-112835090-C-CTT. GRCh37 (hg19) VCF-style: chr5-112170787-C-CTT.
Other names: c.1885_1886dup, p.Leu629fs (NM_001127510.3, NM_001354895.2, NM_001407450.1); c.1831_1832dup, p.Leu611fs (NM_001127511.3); c.1939_1940dup, p.Leu647fs (NM_001354896.2, NM_001407447.1, NM_001407448.1 and 1 more transcripts); c.1915_1916dup, p.Leu639fs (NM_001354897.2); c.1810_1811dup, p.Leu604fs (NM_001354898.2); c.1801_1802dup, p.Leu601fs (NM_001354899.2); c.1762_1763dup, p.Leu588fs (NM_001354900.2); c.1708_1709dup, p.Leu570fs (NM_001354901.2, NM_001407453.1); and 11 more; short protein forms L500fs, L622fs, L629fs, L647fs, L346fs, L469fs, L657fs, L245fs.
Identifiers: ClinVar variation 4747453 (VCV004747453.1).
Genomic context (GRCh38, chr5:112,835,090, plus strand): 5'-CTGTAGATGGTGCACTTGCATTTTTGGTTGGCACTCTTACTTACCGGAGCCAGACAAACA[C>CTT]TTTAGCCATTATTGAAAGTGGAGGTGGGATATTACGGAATGTGTCCAGCTTGATAGCTAC-3'